The following is an entry in ClinVar:

ClinVar aggregate classification (germline): Benign. Review status: criteria provided, single submitter (1 of 4 stars). 2 submissions from 1 submitter: Benign (2). Last evaluated 2018-01-12.

Conditions:
Torsion dystonia 4. Also called: DYT-TUBB4A (Autosomal Dominant Torsion Dystonia); DYSTONIA MUSCULORUM DEFORMANS 4. Identifiers: Orphanet 98805, MedGen C1851943, MONDO:0007493, OMIM 128101.
Leukodystrophy, hypomyelinating, 6. Also called: LEUKODYSTROPHY, HYPOMYELINATING, WITH ATROPHY OF THE BASAL GANGLIA AND CEREBELLUM; TUBB4A-Associated Leukodystrophy; Hypomyelination with Atrophy of Basal Ganglia and Cerebellum (H-ABC). Identifiers: Orphanet 139441, MedGen C2676244, MONDO:0012905, OMIM 612438.

Allele frequency attached by ClinVar (database versions not stated): TOPMed 0.00409; gnomAD exomes 0.00054; 1000 Genomes Project 0.00339; gnomAD 0.00344 and 0.00373; 1000 Genomes Project 30x 0.00359.
gnomAD v4.1: 533 of 183,160 alleles (0.29%); highest among the groups gnomAD compares: African/African-American, 1.2%; 4 homozygotes.

Submissions (2):

Illumina Laboratory Services, Illumina
Classification: Benign for Leukodystrophy, hypomyelinating, 6. Last evaluated: 2018-01-12. Review status: criteria provided, single submitter. Criteria: ICSL Variant Classification Criteria 13 December 2019. Collection method: clinical testing. Allele origin: germline.
Comment: This variant was observed in the ICSL laboratory as part of a predisposition screen in an ostensibly healthy population. It had not been previously curated by ICSL or reported in the Human Gene Mutation Database (HGMD: prior to June 1st, 2018), and was therefore a candidate for classification through an automated scoring system. Utilizing variant allele frequency, disease prevalence and penetrance estimates, and inheritance mode, an automated score was calculated to assess if this variant is too frequent to cause the disease. Based on the score and internal cut-off values, a variant classified as benign is not then subjected to further curation. The score for this variant resulted in a classification of benign for this disease.

Illumina Laboratory Services, Illumina
Classification: Benign for Torsion dystonia 4. Last evaluated: 2018-01-12. Review status: criteria provided, single submitter. Criteria: ICSL Variant Classification Criteria 13 December 2019. Collection method: clinical testing. Allele origin: germline.
Comment: the same text as in the submission from Illumina Laboratory Services, Illumina above.

NM_006087.4(TUBB4A):c.*493C>G

Gene: TUBB4A (tubulin beta 4A class IVa; minus strand). Cytogenetic location: 19p13.3.
Variant type: single nucleotide variant.
Coding change: c.*493C>G on transcript NM_006087.4 (MANE Select); 493 bases downstream of the stop codon, C replaced by G.
Molecular consequence: 3 prime UTR variant.
Genome position (GRCh38, 1-based): chr19:6,494,671, G>C on the plus strand (C>G on the coding strand, the complement: TUBB4A is on the minus strand). VCF-style: chr19-6494671-G-C. GRCh37 (hg19) VCF-style: chr19-6494682-G-C.
Other names: c.*493C>G (NM_001289123.2, NM_001289127.2, NM_001289129.2 and 2 more transcripts).
Identifiers: ClinVar variation 330251 (VCV000330251.5), dbSNP rs111966371, ClinGen allele CA10643300.